The following is an entry in ClinVar:

NM_032444.4(SLX4):c.1568C>G (p.Pro523Arg)

Gene: SLX4 (SLX4 structure-specific endonuclease subunit; minus strand). Cytogenetic location: 16p13.3.
Variant type: single nucleotide variant.
Coding change: c.1568C>G on transcript NM_032444.4 (MANE Select); coding-DNA position 1568, C replaced by G.
Protein change: p.Pro523Arg; replaces proline 523 with arginine.
Molecular consequence: missense variant.
Genome position (GRCh38, 1-based): chr16:3,597,494, G>C on the plus strand (C>G on the coding strand, the complement: SLX4 is on the minus strand). VCF-style: chr16-3597494-G-C. GRCh37 (hg19) VCF-style: chr16-3647495-G-C.
Other names: short protein forms P523R.
Identifiers: ClinVar variation 1016724 (VCV001016724.8), dbSNP rs2040675640, ClinGen allele CA394528796.

ClinVar aggregate classification (germline): Uncertain significance (1 of 4 stars; one submission).

Conditions:
Fanconi anemia (FA). Also called: Fanconi's anemia. Identifiers: Orphanet 84, MedGen C0015625, MeSH D005199, MONDO:0019391.

Allele frequency attached by ClinVar (database versions not stated): gnomAD exomes below 0.00001.

Submission:

Labcorp Genetics (formerly Invitae), Labcorp
Classification: Uncertain significance for Fanconi anemia. Last evaluated: 2020-04-23. Review status: criteria provided, single submitter. Criteria: Invitae Variant Classification Sherloc (09022015). Collection method: clinical testing. Allele origin: germline.
Comment: This sequence change replaces proline with arginine at codon 523 of the SLX4 protein (p.Pro523Arg). The proline residue is moderately conserved and there is a moderate physicochemical difference between proline and arginine. This variant is not present in population databases (ExAC no frequency). This variant has not been reported in the literature in individuals with SLX4-related conditions. Algorithms developed to predict the effect of missense changes on protein structure and function are either unavailable or do not agree on the potential impact of this missense change (SIFT: "Deleterious"; PolyPhen-2: "Probably Damaging"; Align-GVGD: "Class C0"). In summary, the available evidence is currently insufficient to determine the role of this variant in disease. Therefore, it has been classified as a Variant of Uncertain Significance.